The following is an entry in ClinVar:

ClinVar aggregate classification (germline): Pathogenic (1 of 4 stars; one submission).

Conditions:
MHC class I deficiency. Identifiers: Orphanet 34592, MedGen C6024714, MONDO:0011476.

Submission:

Labcorp Genetics (formerly Invitae), Labcorp
Classification: Pathogenic for MHC class I deficiency 1. Last evaluated: 2024-06-19. Review status: criteria provided, single submitter. Criteria: Invitae Variant Classification Sherloc (09022015). Collection method: clinical testing. Allele origin: germline.
Comment: This sequence change creates a premature translational stop signal (p.Trp125*) in the TAP1 gene. It is expected to result in an absent or disrupted protein product. Loss-of-function variants in TAP1 are known to be pathogenic (PMID: 10074494, 10074495). This variant is not present in population databases (gnomAD no frequency). This variant has not been reported in the literature in individuals affected with TAP1-related conditions. For these reasons, this variant has been classified as Pathogenic.

Literature cited by the submitters: PubMed 10074494; PubMed 10074495.

NM_000593.6(TAP1):c.195G>A (p.Trp65Ter)

Gene: TAP1 (transporter 1, ATP binding cassette subfamily B member; minus strand). Cytogenetic location: 6p21.32.
Variant type: single nucleotide variant.
Coding change: c.195G>A on transcript NM_000593.6 (MANE Select); coding-DNA position 195, G replaced by A.
Protein change: p.Trp65Ter; replaces tryptophan 65 with a stop codon.
Molecular consequence: nonsense.
Genome position (GRCh38, 1-based): chr6:32,853,442, C>T on the plus strand (G>A on the coding strand, the complement: TAP1 is on the minus strand). VCF-style: chr6-32853442-C-T. GRCh37 (hg19) VCF-style: chr6-32821219-C-T.
Other names: short protein forms W65*.
Identifiers: ClinVar variation 3657001 (VCV003657001.2).